The following is an entry in ClinVar:

NM_058216.3(RAD51C):c.225T>C (p.Tyr75=)

Gene: RAD51C (RAD51 paralog C; plus strand). Cytogenetic location: 17q22.
Variant type: single nucleotide variant.
Coding change: c.225T>C on transcript NM_058216.3 (MANE Select); coding-DNA position 225, T replaced by C.
Protein change: p.Tyr75=; no amino-acid change (tyrosine 75 retained).
Molecular consequence: synonymous variant. On other transcripts: non-coding transcript variant (2).
Genome position (GRCh38, 1-based): chr17:58,695,010, T>C. VCF-style: chr17-58695010-T-C. GRCh37 (hg19) VCF-style: chr17-56772371-T-C.
Other names: c.225T>C, p.Tyr75= (NM_002876.4).
Identifiers: ClinVar variation 538787 (VCV000538787.13), dbSNP rs1555593553, ClinGen allele CA501074587.

ClinVar aggregate classification (germline): Benign/Likely benign. Review status: criteria provided, multiple submitters, no conflicts (2 of 4 stars). 4 submissions from 4 submitters: Benign (1); Likely benign (3). Last evaluated 2025-02-14.

Conditions:
Hereditary cancer-predisposing syndrome. Also called: Neoplastic Syndromes, Hereditary; Tumor predisposition; Hereditary Cancer Syndrome; Hereditary neoplastic syndrome. Identifiers: Orphanet 140162, MedGen C0027672, MeSH D009386, MONDO:0015356.
Breast-ovarian cancer, familial, susceptibility to, 3. Also called: RAD51C-Related Breast/Ovarian Cancer. Identifiers: Orphanet 145, MedGen C3150659, MONDO:0013253, OMIM 613399.
Fanconi anemia complementation group O. Also called: RAD51C-Related Fanconi Anemia. Identifiers: Orphanet 84, MedGen C3150653, MONDO:0013248, OMIM 613390.

Allele frequency attached by ClinVar (database versions not stated): gnomAD exomes below 0.00001.
gnomAD v4.1: 2 of 1,614,106 alleles (0.00012%); highest among the groups gnomAD compares: East Asian, 0.0022%; no homozygotes.

Submissions (4):

Myriad Genetics, Inc.
Classification: Benign for Breast-ovarian cancer, familial, susceptibility to, 3. Last evaluated: 2025-02-14. Review status: criteria provided, single submitter. Criteria: Myriad Autosomal Dominant, Autosomal Recessive and X-Linked Classification Criteria (2023). Collection method: clinical testing. Allele origin: unknown.
Comment: This variant is considered benign. This variant is a silent/synonymous amino acid change and it is not expected to impact splicing.

Labcorp Genetics (formerly Invitae), Labcorp
Classification: Likely benign for Fanconi anemia complementation group O. Last evaluated: 2024-07-23. Review status: criteria provided, single submitter. Criteria: Invitae Variant Classification Sherloc (09022015). Collection method: clinical testing. Allele origin: germline.

Women's Health and Genetics/Laboratory Corporation of America, LabCorp
Classification: Likely benign. Last evaluated: 2019-12-31. Review status: criteria provided, single submitter. Criteria: LabCorp Variant Classification Summary - May 2015. Collection method: clinical testing. Allele origin: germline.

Ambry Genetics
Classification: Likely benign for Hereditary cancer-predisposing syndrome. Last evaluated: 2019-09-30. Review status: criteria provided, single submitter. Criteria: Ambry Variant Classification Scheme 2023. Collection method: clinical testing. Allele origin: germline.